The following is an entry in ClinVar:

NM_032242.4(PLXNA1):c.2448C>T (p.Cys816=)

Gene: PLXNA1 (plexin A1; plus strand). Cytogenetic location: 3q21.3.
Variant type: single nucleotide variant.
Coding change: c.2448C>T on transcript NM_032242.4 (MANE Select); coding-DNA position 2448, C replaced by T.
Protein change: p.Cys816=; no amino-acid change (cysteine 816 retained).
Molecular consequence: synonymous variant.
Genome position (GRCh38, 1-based): chr3:127,014,219, C>T. VCF-style: chr3-127014219-C-T. GRCh37 (hg19) VCF-style: chr3-126733062-C-T.
Other names: c.2448C>T (NM_032242.3).
Identifiers: ClinVar variation 4963987 (VCV004963987.2).
Genomic context (GRCh38, chr3:127,014,219, plus strand): 5'-GCTGACCGCACCCCTCCCCACAGCGCACCTCTACAAGTGCCCGGCCCTGCGCGAGAGCTG[C>T]GGCCTCTGCCTCAAGGCCGACCCGCGCTTCGAGTGCGGATGGTGCGTGGCCGAGCGCCGC-3'
Protein context (NP_115618.3, residues 806-826): LYKCPALRES[Cys816=]GLCLKADPRF

ClinVar aggregate classification (germline): Likely benign. Review status: criteria provided, multiple submitters, no conflicts (2 of 4 stars). 2 submissions from 2 submitters: Likely benign (2). Last evaluated 2024-12-27.

Conditions:
PLXNA1-related disorder. Also called: PLXNA1-related condition.

gnomAD v4.1: 9 of 1,607,478 alleles (0.00056%); highest among the groups gnomAD compares: Non-Finnish European, 0.00042%; no homozygotes.

Submissions (2):

PreventionGenetics, part of Exact Sciences
Classification: Likely benign for PLXNA1-related condition. Last evaluated: 2024-12-27. Review status: criteria provided, single submitter. Criteria: ACMG Guidelines, 2015. Collection method: clinical testing. Allele origin: germline.
Comment: This variant is classified as likely benign based on ACMG/AMP sequence variant interpretation guidelines (Richards et al. 2015 PMID: 25741868, with internal and published modifications).

Blueprint Genetics
Classification: Likely benign. Last evaluated: 2022-07-21. Review status: criteria provided, single submitter. Criteria: ACMG Guidelines, 2015. Collection method: clinical testing. Allele origin: germline.